The following is an entry in ClinVar:

ClinVar aggregate classification (germline): Uncertain significance (1 of 4 stars; one submission).

Conditions:
Hereditary cancer-predisposing syndrome. Also called: Neoplastic Syndromes, Hereditary; Tumor predisposition; Hereditary Cancer Syndrome; Hereditary neoplastic syndrome. Identifiers: Orphanet 140162, MedGen C0027672, MeSH D009386, MONDO:0015356.

Submission:

Ambry Genetics
Classification: Uncertain significance for Hereditary cancer-predisposing syndrome. Last evaluated: 2025-12-15. Review status: criteria provided, single submitter. Criteria: Ambry Variant Classification Scheme 2023. Collection method: clinical testing. Allele origin: germline.
Comment: The p.L270V variant (also known as c.808C>G), located in coding exon 6 of the DICER1 gene, results from a C to G substitution at nucleotide position 808. The leucine at codon 270 is replaced by valine, an amino acid with highly similar properties. This amino acid position is conserved. In addition, this alteration is predicted to be tolerated by in silico analysis. Based on the available evidence, the clinical significance of this variant remains unclear.

NM_177438.3(DICER1):c.808C>G (p.Leu270Val)

Gene: DICER1 (dicer 1, ribonuclease III; minus strand). Cytogenetic location: 14q32.13.
Variant type: single nucleotide variant.
Coding change: c.808C>G on transcript NM_177438.3 (MANE Select); coding-DNA position 808, C replaced by G.
Protein change: p.Leu270Val; replaces leucine 270 with valine.
Molecular consequence: missense variant. On other transcripts: 5 prime UTR variant (1), non-coding transcript variant (6).
Genome position (GRCh38, 1-based): chr14:95,126,675, G>C on the plus strand (C>G on the coding strand, the complement: DICER1 is on the minus strand). VCF-style: chr14-95126675-G-C. GRCh37 (hg19) VCF-style: chr14-95593012-G-C.
Other names: c.808C>G, p.Leu270Val (NM_001195573.1, NM_001271282.3, NM_001291628.2 and 14 more transcripts); c.403C>G, p.Leu135Val (NM_001395690.1, NM_001395696.1, NM_001395698.1 and 3 more transcripts); c.241C>G, p.Leu81Val (NM_001395691.1); c.-761C>G (NM_001395697.1); c.526C>G, p.Leu176Val (NM_001395686.1); short protein forms L176V, L135V, L270V, L81V.
Identifiers: ClinVar variation 4843067 (VCV004843067.1).